The following is an entry in ClinVar:

ClinVar aggregate classification (germline): Uncertain significance (1 of 4 stars; one submission).

Conditions:
Hereditary sensory and autonomic neuropathy type 6. Also called: Neuropathy, hereditary sensory and autonomic, type VI; HSAN VI. Identifiers: Orphanet 314381, MedGen C3539003, MONDO:0013839, OMIM 614653.
Epidermolysis bullosa simplex 3, localized or generalized intermediate, with BP230 deficiency (EBS3). Also called: Epidermolysis bullosa simplex due to BP230 deficiency; Epidermolysis bullosa simplex, autosomal recessive 2. Identifiers: Orphanet 412181, MedGen C3809470, MONDO:0014180, OMIM 615425.

Allele frequency attached by ClinVar (database versions not stated): gnomAD exomes below 0.00001; gnomAD 0.00001 and 0.00002; TOPMed 0.00001.
gnomAD v4.1: 3 of 1,608,476 alleles (0.00019%); highest among the groups gnomAD compares: African/African-American, 0.0027%; no homozygotes.

Submission:

Labcorp Genetics (formerly Invitae), Labcorp
Classification: Uncertain significance for Epidermolysis bullosa simplex 3, localized or generalized intermediate, with BP230 deficiency; Hereditary sensory and autonomic neuropathy type 6. Last evaluated: 2023-05-20. Review status: criteria provided, single submitter. Criteria: Invitae Variant Classification Sherloc (09022015). Collection method: clinical testing. Allele origin: germline.
Comment: Experimental studies and prediction algorithms are not available or were not evaluated, and the functional significance of this variant is currently unknown. The DST gene has multiple clinically relevant transcripts. This variant occurs in alternate transcript NM_015548.4, and corresponds to NM_001723.5:c.*113906C>T in the primary transcript. This sequence change replaces threonine, which is neutral and polar, with isoleucine, which is neutral and non-polar, at codon 3927 of the DST protein (p.Thr3927Ile). This variant is present in population databases (no rsID available, gnomAD 0.004%). This variant has not been reported in the literature in individuals affected with DST-related conditions. In summary, the available evidence is currently insufficient to determine the role of this variant in disease. Therefore, it has been classified as a Variant of Uncertain Significance.

NM_001374736.1(DST):c.19649C>T (p.Thr6550Ile)

Gene: DST (dystonin; minus strand). Cytogenetic location: 6p12.1.
Variant type: single nucleotide variant.
Coding change: c.19649C>T on transcript NM_001374736.1 (MANE Select); coding-DNA position 19649, C replaced by T.
Protein change: p.Thr6550Ile; replaces threonine 6550 with isoleucine.
Molecular consequence: missense variant.
Genome position (GRCh38, 1-based): chr6:56,501,611, G>A on the plus strand (C>T on the coding strand, the complement: DST is on the minus strand). VCF-style: chr6-56501611-G-A. GRCh37 (hg19) VCF-style: chr6-56366409-G-A.
Other names: c.13292C>T, p.Thr4431Ile (NM_001144769.5); c.12878C>T, p.Thr4293Ile (NM_001144770.2); c.19649C>T, p.Thr6550Ile (NM_001374722.1); c.18689C>T, p.Thr6230Ile (NM_001374729.1); c.12431C>T, p.Thr4144Ile (NM_001374730.1); c.19676C>T, p.Thr6559Ile (NM_001374734.1); c.12758C>T, p.Thr4253Ile (NM_001386100.1, NM_183380.4); c.11780C>T, p.Thr3927Ile (NM_015548.5); short protein forms T3927I, T4431I, T4253I, T6550I, T4144I, T4293I, T6230I, T6559I.
Identifiers: ClinVar variation 1362236 (VCV001362236.8), dbSNP rs1012268583, ClinGen allele CA139193271.